The following is an entry in ClinVar:

NM_153676.4(USH1C):c.614G>C (p.Arg205Pro)

Gene: USH1C (USH1 protein network component harmonin; minus strand). Cytogenetic location: 11p15.1.
Variant type: single nucleotide variant.
Coding change: c.614G>C on transcript NM_153676.4 (MANE Select); coding-DNA position 614, G replaced by C.
Protein change: p.Arg205Pro; replaces arginine 205 with proline.
Molecular consequence: missense variant. On other transcripts: non-coding transcript variant (1).
Genome position (GRCh38, 1-based): chr11:17,526,407, C>G on the plus strand (G>C on the coding strand, the complement: USH1C is on the minus strand). VCF-style: chr11-17526407-C-G. GRCh37 (hg19) VCF-style: chr11-17547954-C-G.
Other names: c.614G>C, p.Arg205Pro (NM_001297764.2, NM_005709.4); short protein forms R205P.
Identifiers: ClinVar variation 1472075 (VCV001472075.5), dbSNP rs777321803, ClinGen allele CA379793587.

ClinVar aggregate classification (germline): Uncertain significance (1 of 4 stars; one submission).

Submission:

Labcorp Genetics (formerly Invitae), Labcorp
Classification: Uncertain significance. Last evaluated: 2022-06-24. Review status: criteria provided, single submitter. Criteria: Invitae Variant Classification Sherloc (09022015). Collection method: clinical testing. Allele origin: germline.
Comment: This sequence change replaces arginine, which is basic and polar, with proline, which is neutral and non-polar, at codon 205 of the USH1C protein (p.Arg205Pro). This variant is not present in population databases (gnomAD no frequency). This variant has not been reported in the literature in individuals affected with USH1C-related conditions. Algorithms developed to predict the effect of missense changes on protein structure and function are either unavailable or do not agree on the potential impact of this missense change (SIFT: "Deleterious"; PolyPhen-2: "Benign"; Align-GVGD: "Class C0"). In summary, the available evidence is currently insufficient to determine the role of this variant in disease. Therefore, it has been classified as a Variant of Uncertain Significance.